The following is an entry in ClinVar:

ClinVar aggregate classification (germline): Uncertain significance (1 of 4 stars; one submission).

Allele frequency attached by ClinVar (database versions not stated): TOPMed below 0.00001; gnomAD exomes 0.00001.
gnomAD v4.1: 10 of 1,614,154 alleles (0.00062%); highest among the groups gnomAD compares: Non-Finnish European, 0.00076%; no homozygotes.

Submission:

Labcorp Genetics (formerly Invitae), Labcorp
Classification: Uncertain significance. Last evaluated: 2023-10-13. Review status: criteria provided, single submitter. Criteria: Invitae Variant Classification Sherloc (09022015). Collection method: clinical testing. Allele origin: germline.
Comment: This sequence change replaces lysine, which is basic and polar, with arginine, which is basic and polar, at codon 330 of the AGBL5 protein (p.Lys330Arg). This variant is not present in population databases (gnomAD no frequency). This variant has not been reported in the literature in individuals affected with AGBL5-related conditions. ClinVar contains an entry for this variant (Variation ID: 1525335). An algorithm developed to predict the effect of missense changes on protein structure and function (PolyPhen-2) suggests that this variant is likely to be tolerated. In summary, the available evidence is currently insufficient to determine the role of this variant in disease. Therefore, it has been classified as a Variant of Uncertain Significance.

NM_021831.6(AGBL5):c.989A>G (p.Lys330Arg)

Gene: AGBL5 (AGBL carboxypeptidase 5; plus strand). Cytogenetic location: 2p23.3.
Variant type: single nucleotide variant.
Coding change: c.989A>G on transcript NM_021831.6 (MANE Select); coding-DNA position 989, A replaced by G.
Protein change: p.Lys330Arg; replaces lysine 330 with arginine.
Molecular consequence: missense variant. On other transcripts: non-coding transcript variant (2).
Genome position (GRCh38, 1-based): chr2:27,055,762, A>G. VCF-style: chr2-27055762-A-G. GRCh37 (hg19) VCF-style: chr2-27278630-A-G.
Other names: c.989A>G, p.Lys330Arg (NM_001035507.3); short protein forms K330R.
Identifiers: ClinVar variation 1525335 (VCV001525335.6), dbSNP rs1668394346, ClinGen allele CA346178170.